The following is an entry in ClinVar:

ClinVar aggregate classification (germline): Uncertain significance (1 of 4 stars; one submission).

Submission:

Ambry Genetics
Classification: Uncertain significance. Last evaluated: 2021-08-11. Review status: criteria provided, single submitter. Criteria: Ambry Variant Classification Scheme 2023. Collection method: clinical testing. Allele origin: germline.
Comment: The p.V710M variant (also known as c.2128G>A), located in coding exon 13 of the NPAT gene, results from a G to A substitution at nucleotide position 2128. The valine at codon 710 is replaced by methionine, an amino acid with highly similar properties. This amino acid position is conserved. In addition, this alteration is predicted to be tolerated by in silico analysis. Since supporting evidence is limited at this time, the clinical significance of this alteration remains unclear.

NM_002519.3(NPAT):c.2128G>A (p.Val710Met)

Gene: NPAT (nuclear protein, coactivator of histone transcription; minus strand). Cytogenetic location: 11q22.3.
Variant type: single nucleotide variant.
Coding change: c.2128G>A on transcript NM_002519.3 (MANE Select); coding-DNA position 2128, G replaced by A.
Protein change: p.Val710Met; replaces valine 710 with methionine.
Molecular consequence: missense variant.
Genome position (GRCh38, 1-based): chr11:108,172,856, C>T on the plus strand (G>A on the coding strand, the complement: NPAT is on the minus strand). VCF-style: chr11-108172856-C-T. GRCh37 (hg19) VCF-style: chr11-108043583-C-T.
Other names: c.2128G>A, p.Val710Met (NM_001321307.1); short protein forms V710M.
Identifiers: ClinVar variation 1786348 (VCV001786348.2), dbSNP rs2496718564, ClinGen allele CA382513632.